The following is an entry in ClinVar:

ClinVar aggregate classification (germline): Uncertain significance (1 of 4 stars; one submission).

Submission:

Laboratorio de Genetica e Diagnostico Molecular, Hospital Israelita Albert Einstein
Classification: Uncertain significance. Last evaluated: 2020-10-08. Review status: criteria provided, single submitter. Criteria: ACMG Guidelines, 2015. Collection method: clinical testing. Allele origin: germline. Affected: yes.
Comment: ACMG classification criteria: PS2, PM2, BP4

NM_006136.3(CAPZA2):c.124A>G (p.Asn42Asp)

Gene: CAPZA2 (capping actin protein of muscle Z-line subunit alpha 2; plus strand). Cytogenetic location: 7q31.2.
Variant type: single nucleotide variant.
Coding change: c.124A>G on transcript NM_006136.3 (MANE Select); coding-DNA position 124, A replaced by G.
Protein change: p.Asn42Asp; replaces asparagine 42 with aspartic acid.
Molecular consequence: missense variant.
Genome position (GRCh38, 1-based): chr7:116,893,014, A>G. VCF-style: chr7-116893014-A-G. GRCh37 (hg19) VCF-style: chr7-116533068-A-G.
Other names: short protein forms N42D.
Identifiers: ClinVar variation 1690948 (VCV001690948.2), dbSNP rs2115933047, ClinGen allele CA369122043.